The following is an entry in ClinVar:

NM_138694.4(PKHD1):c.5885T>G (p.Ile1962Ser)

Gene: PKHD1 (PKHD1 ciliary IPT domain containing fibrocystin/polyductin; minus strand). Cytogenetic location: 6p12.2.
Variant type: single nucleotide variant.
Coding change: c.5885T>G on transcript NM_138694.4 (MANE Select); coding-DNA position 5885, T replaced by G.
Protein change: p.Ile1962Ser; replaces isoleucine 1962 with serine.
Molecular consequence: missense variant.
Genome position (GRCh38, 1-based): chr6:51,959,893, A>C on the plus strand (T>G on the coding strand, the complement: PKHD1 is on the minus strand). VCF-style: chr6-51959893-A-C. GRCh37 (hg19) VCF-style: chr6-51824691-A-C.
Other names: c.5885T>G, p.Ile1962Ser (NM_170724.3); short protein forms I1962S.
Identifiers: ClinVar variation 957071 (VCV000957071.11), dbSNP rs756573585, ClinGen allele CA364421302.

ClinVar aggregate classification (germline): Uncertain significance. Review status: criteria provided, multiple submitters, no conflicts (2 of 4 stars). 2 submissions from 2 submitters: Uncertain significance (2). Last evaluated 2026-04-11.

Conditions:
PKHD1-related disorder. Also called: PKHD1-related condition.
Autosomal recessive polycystic kidney disease (ARPKD). Also called: AR polycystic kidney disease. Identifiers: Orphanet 731, Orphanet 8378, MedGen C0085548, MeSH D017044, MONDO:0009889.

gnomAD v4.1: 1 of 1,613,404 alleles (0.000062%); highest among the groups gnomAD compares: Non-Finnish European, 0.000085%; no homozygotes.

Submissions (2):

PreventionGenetics, part of Exact Sciences
Classification: Uncertain significance for PKHD1-related condition. Last evaluated: 2026-04-11. Review status: criteria provided, single submitter. Criteria: ACMG Guidelines, 2015. Collection method: clinical testing. Allele origin: germline.
Comment: The PKHD1 c.5885T>G variant is predicted to result in the amino acid substitution p.Ile1962Ser. This variant was reported with a pathogenic frameshifting variant c.3766del (p.Gln1256Argfs*47) and a likely benign missense variant c.3761C>G (p.Ala1254Gly) in an individual with autosomal recessive polycystic kidney disease (ARPKD) (Richards et al. 2024. PubMed ID: 38885798). This variant has not been reported in a large population database (gnomAD), indicating this variant is rare. Although we suspect that this variant may be pathogenic, at this time, the clinical significance of this variant is uncertain due to the absence of conclusive functional and genetic evidence.

Labcorp Genetics (formerly Invitae), Labcorp
Classification: Uncertain significance for Autosomal recessive polycystic kidney disease. Last evaluated: 2019-10-21. Review status: criteria provided, single submitter. Criteria: Invitae Variant Classification Sherloc (09022015). Collection method: clinical testing. Allele origin: germline.
Comment: In summary, the available evidence is currently insufficient to determine the role of this variant in disease. Therefore, it has been classified as a Variant of Uncertain Significance. Algorithms developed to predict the effect of missense changes on protein structure and function are either unavailable or do not agree on the potential impact of this missense change (SIFT: "Deleterious"; PolyPhen-2: "Benign"; Align-GVGD: "Class C0"). This variant has been observed in individual(s) affected with polycystic kidney disease (Invitae). In at least one individual the data is consistent with the variant being in trans (on the opposite chromosome) from a pathogenic variant. This variant is not present in population databases (ExAC no frequency). This sequence change replaces isoleucine with serine at codon 1962 of the PKHD1 protein (p.Ile1962Ser). The isoleucine residue is weakly conserved and there is a large physicochemical difference between isoleucine and serine.